The following is an entry in ClinVar:

NM_000135.4(FANCA):c.2681G>A (p.Arg894Lys)

Genes: FANCA (FA complementation group A; minus strand), LOC130059837 (ATAC-STARR-seq lymphoblastoid active region 11420; plus strand). Cytogenetic location: 16q24.3.
Variant type: single nucleotide variant.
Coding change: c.2681G>A on transcript NM_000135.4 (MANE Select); coding-DNA position 2681, G replaced by A.
Protein change: p.Arg894Lys; replaces arginine 894 with lysine.
Molecular consequence: missense variant.
Genome position (GRCh38, 1-based): chr16:89,764,987, C>T on the plus strand (G>A on the coding strand, the complement: FANCA is on the minus strand). VCF-style: chr16-89764987-C-T. GRCh37 (hg19) VCF-style: chr16-89831395-C-T.
Other names: c.2681G>A (LRG_495t1); c.2681G>A, p.Arg894Lys (NM_001286167.3); short protein forms R894K.
Identifiers: ClinVar variation 134260 (VCV000134260.4), dbSNP rs587778316, ClinGen allele CA159290.

ClinVar aggregate classification (germline): Uncertain significance. Review status: criteria provided, single submitter (1 of 4 stars). 3 submissions from 3 submitters: Uncertain significance (1). 2 of the submissions do not count toward it. Last evaluated 2022-10-23.

Conditions:
Fanconi anemia (FA). Also called: Fanconi's anemia. Identifiers: Orphanet 84, MedGen C0015625, MeSH D005199, MONDO:0019391.
Fanconi anemia complementation group A (FANCA). Also called: Fanconi anemia, group A; FANCA-Related Fanconi Anemia. Identifiers: Orphanet 84, MedGen C3469521, MONDO:0009215, OMIM 227650.

Allele frequency attached by ClinVar (database versions not stated): gnomAD 0.00001; TOPMed 0.00001.
gnomAD v4.1: 51 of 1,614,130 alleles (0.0032%); highest among the groups gnomAD compares: Non-Finnish European, 0.0042%; no homozygotes.

Submissions (3):

Labcorp Genetics (formerly Invitae), Labcorp
Classification: Uncertain significance for Fanconi anemia. Last evaluated: 2022-10-23. Review status: criteria provided, single submitter. Criteria: Invitae Variant Classification Sherloc (09022015). Collection method: clinical testing. Allele origin: germline.
Comment: This sequence change replaces arginine, which is basic and polar, with lysine, which is basic and polar, at codon 894 of the FANCA protein (p.Arg894Lys). This variant is present in population databases (rs587778316, gnomAD 0.01%). This variant has not been reported in the literature in individuals affected with FANCA-related conditions. ClinVar contains an entry for this variant (Variation ID: 134260). Advanced modeling of protein sequence and biophysical properties (such as structural, functional, and spatial information, amino acid conservation, physicochemical variation, residue mobility, and thermodynamic stability) performed at Invitae indicates that this missense variant is not expected to disrupt FANCA protein function. In summary, the available evidence is currently insufficient to determine the role of this variant in disease. Therefore, it has been classified as a Variant of Uncertain Significance.

Counsyl
Classification: Uncertain significance for Fanconi anemia complementation group A. Last evaluated: 2017-08-01. Review status: no assertion criteria provided. Collection method: clinical testing. Allele origin: unknown. Not counted in ClinVar's aggregate classification.

ITMI
No classification provided. Condition: AllHighlyPenetrant. Last evaluated: 2013-09-19. Review status: no classification provided. Collection method: reference population. Allele origin: germline. Not counted in ClinVar's aggregate classification.
Comment: Please see associated publication for description of ethnicities

Literature cited by the submitters: PubMed 24728327 (cited by ITMI).